The following is an entry in ClinVar:

NM_152415.3(VPS37A):c.676G>C (p.Asp226His)

Gene: VPS37A (VPS37A subunit of ESCRT-I; plus strand). Cytogenetic location: 8p22.
Variant type: single nucleotide variant.
Coding change: c.676G>C on transcript NM_152415.3 (MANE Select); coding-DNA position 676, G replaced by C.
Protein change: p.Asp226His; replaces aspartic acid 226 with histidine.
Molecular consequence: missense variant.
Genome position (GRCh38, 1-based): chr8:17,276,430, G>C. VCF-style: chr8-17276430-G-C. GRCh37 (hg19) VCF-style: chr8-17133939-G-C.
Other names: c.601G>C, p.Asp201His (NM_001145152.2); c.676G>C, p.Asp226His (NM_001363167.1, NM_001363173.2); c.406G>C, p.Asp136His (NM_001363168.1, NM_001363169.1, NM_001363170.1 and 2 more transcripts); short protein forms D226H, D136H, D201H.
Identifiers: ClinVar variation 2884363 (VCV002884363.3), dbSNP rs1563269515, ClinGen allele CA370401948.

ClinVar aggregate classification (germline): Uncertain significance (1 of 4 stars; one submission).

Conditions:
Hereditary spastic paraplegia 53. Also called: Spastic paraplegia 53, autosomal recessive. Identifiers: Orphanet 319199, MedGen C3539494, MONDO:0013962, OMIM 614898.

Allele frequency attached by ClinVar (database versions not stated): gnomAD exomes 0.00001.
gnomAD v4.1: 4 of 1,612,648 alleles (0.00025%); highest among the groups gnomAD compares: Middle Eastern, 0.033%; no homozygotes.

Submission:

Labcorp Genetics (formerly Invitae), Labcorp
Classification: Uncertain significance for Hereditary spastic paraplegia 53. Last evaluated: 2023-07-10. Review status: criteria provided, single submitter. Criteria: Invitae Variant Classification Sherloc (09022015). Collection method: clinical testing. Allele origin: germline.
Comment: In summary, the available evidence is currently insufficient to determine the role of this variant in disease. Therefore, it has been classified as a Variant of Uncertain Significance. Algorithms developed to predict the effect of sequence changes on RNA splicing suggest that this variant may disrupt the consensus splice site. Advanced modeling of protein sequence and biophysical properties (such as structural, functional, and spatial information, amino acid conservation, physicochemical variation, residue mobility, and thermodynamic stability) performed at Invitae indicates that this missense variant is not expected to disrupt VPS37A protein function. This sequence change replaces aspartic acid, which is acidic and polar, with histidine, which is basic and polar, at codon 226 of the VPS37A protein (p.Asp226His). This variant is not present in population databases (gnomAD no frequency). This variant has not been reported in the literature in individuals affected with VPS37A-related conditions.